The following is an entry in ClinVar:

ClinVar aggregate classification (germline): Uncertain significance. Review status: criteria provided, multiple submitters, no conflicts (2 of 4 stars). 4 submissions from 4 submitters: Uncertain significance (2). 2 of the submissions do not count toward it. Last evaluated 2017-04-30.

Allele frequency attached by ClinVar (database versions not stated): gnomAD exomes below 0.00001 and 0.00002; gnomAD 0.00001; TOPMed 0.00001.
gnomAD v4.1: 24 of 1,609,934 alleles (0.0015%); highest among the groups gnomAD compares: Non-Finnish European, 0.002%; no homozygotes.

Submissions (4):

CeGaT Center for Human Genetics Tuebingen
Classification: Uncertain significance. Last evaluated: 2017-04-30. Review status: criteria provided, single submitter. Criteria: Praxis fuer Humangenetik Tuebingen - Variant Classification Criteria. Collection method: clinical testing. Allele origin: germline. Affected: yes. Observed: 2 variant alleles.

GeneDx
Classification: Uncertain significance. Last evaluated: 2013-01-31. Review status: criteria provided, single submitter. Criteria: GeneDx Variant Classification (06012015). Collection method: clinical testing. Allele origin: germline. Affected: yes.
Comment: Missense variants in the TTN gene are considered 'unclassified' if they are not previously reported in the literature and do not have >1% frequency in the population to be considered a polymorphism. Research indicates that truncating mutations in the TTN gene are expected to account for approximately 25% of familial and 18% of sporadic idiopathic DCM; however, truncating variants in the TTN gene have been reported in approximately 3% of reported control alleles. There has been little investigation into non-truncating variants. (Herman D et al. Truncations of titin causing dilated cardiomyopathy. N Eng J Med 366:619-628, 2012) The variant is found in DCM panel(s).

Clinical Genetics, Academic Medical Center
Classification: Uncertain significance. Review status: no assertion criteria provided. Collection method: clinical testing. Allele origin: germline. Affected: yes. Study: VKGL Data-share Consensus. Not counted in ClinVar's aggregate classification.

Genome Diagnostics Laboratory, University Medical Center Utrecht
Classification: Uncertain significance. Review status: no assertion criteria provided. Collection method: clinical testing. Allele origin: germline. Affected: yes. Study: VKGL Data-share Consensus. Not counted in ClinVar's aggregate classification.

NM_001267550.2(TTN):c.1168G>A (p.Gly390Ser)

Gene: TTN (titin; minus strand). Cytogenetic location: 2q31.2.
Variant type: single nucleotide variant.
Coding change: c.1168G>A on transcript NM_001267550.2 (MANE Select); coding-DNA position 1168, G replaced by A.
Protein change: p.Gly390Ser; replaces glycine 390 with serine.
Molecular consequence: missense variant.
Genome position (GRCh38, 1-based): chr2:178,794,999, C>T on the plus strand (G>A on the coding strand, the complement: TTN is on the minus strand). VCF-style: chr2-178794999-C-T. GRCh37 (hg19) VCF-style: chr2-179659726-C-T.
Other names: p.G390S:GGT>AGT; c.1168G>A, p.Gly390Ser (NM_001256850.1, NM_003319.4, NM_133378.4 and 3 more transcripts); short protein forms G390S.
Identifiers: ClinVar variation 202583 (VCV000202583.6), dbSNP rs794729412, ClinGen allele CA309663.